The following is an entry in ClinVar:

ClinVar aggregate classification (germline): Uncertain significance. Review status: criteria provided, multiple submitters, no conflicts (2 of 4 stars). 2 submissions from 2 submitters: Uncertain significance (2). Last evaluated 2024-02-23.

Conditions:
Familial melanoma. Also called: Hereditary melanoma; Hereditary cutaneous melanoma. Identifiers: Orphanet 618, MedGen C1512419, MONDO:0018961.
Hereditary cancer-predisposing syndrome. Also called: Neoplastic Syndromes, Hereditary; Tumor predisposition; Hereditary neoplastic syndrome; Hereditary Cancer Syndrome. Identifiers: Orphanet 140162, MedGen C0027672, MeSH D009386, MONDO:0015356.

Submissions (2):

Labcorp Genetics (formerly Invitae), Labcorp
Classification: Uncertain significance for Familial melanoma. Last evaluated: 2024-02-23. Review status: criteria provided, single submitter. Criteria: Invitae Variant Classification Sherloc (09022015). Collection method: clinical testing. Allele origin: germline.
Comment: This sequence change replaces glycine, which is neutral and non-polar, with arginine, which is basic and polar, at codon 150 of the CDKN2A (p16INK4a) protein (p.Gly150Arg). This variant is not present in population databases (gnomAD no frequency). This variant has not been reported in the literature in individuals affected with CDKN2A (p16INK4a)-related conditions. An algorithm developed to predict the effect of missense changes on protein structure and function (PolyPhen-2) suggests that this variant is likely to be tolerated. In summary, the available evidence is currently insufficient to determine the role of this variant in disease. Therefore, it has been classified as a Variant of Uncertain Significance.

Color Diagnostics, LLC DBA Color Health
Classification: Uncertain significance for Hereditary cancer-predisposing syndrome. Last evaluated: 2022-12-24. Review status: criteria provided, single submitter. Criteria: ACMG Guidelines, 2015. Collection method: clinical testing. Allele origin: germline.
Comment: The CDKN2A locus encodes two different gene products, p16INK4a and p14ARF. This missense variant replaces glycine with arginine at codon 150 of the CDKN2A (p16INK4A) protein. Computational prediction suggests that this variant may not impact protein structure and function (internally defined REVEL score threshold <= 0.5, PMID: 27666373). To our knowledge, functional studies have not been reported for this variant. This variant has not been reported in individuals affected with CDKN2A-related disorders in the literature. This variant has not been identified in the general population by the Genome Aggregation Database (gnomAD). The available evidence is insufficient to determine the role of this variant in disease conclusively. Therefore, this variant is classified as a Variant of Uncertain Significance.

NM_000077.5(CDKN2A):c.448G>C (p.Gly150Arg)

Gene: CDKN2A (cyclin dependent kinase inhibitor 2A; minus strand). Cytogenetic location: 9p21.3.
Variant type: single nucleotide variant.
Coding change: c.448G>C on transcript NM_000077.5; coding-DNA position 448, G replaced by C.
Protein change: p.Gly150Arg; replaces glycine 150 with arginine.
Molecular consequence: missense variant (on NM_000077.6). On other transcripts: 3 prime UTR variant (2).
Genome position (GRCh38, 1-based): chr9:21,970,911, C>G on the plus strand (G>C on the coding strand, the complement: CDKN2A is on the minus strand). VCF-style: chr9-21970911-C-G. GRCh37 (hg19) VCF-style: chr9-21970910-C-G.
Other names: c.448G>C, p.Gly150Arg (NM_000077.6, NM_001195132.2); c.295G>C, p.Gly99Arg (NM_001363763.2); c.*92G>C (NM_058195.4); c.*371G>C (NM_058197.5); short protein forms G150R, G99R.
Identifiers: ClinVar variation 2775052 (VCV002775052.4), dbSNP rs1253778918, ClinGen allele CA373085822.